The following is an entry in ClinVar:

NM_000069.3(CACNA1S):c.1297G>T (p.Val433Phe)

Gene: CACNA1S (calcium voltage-gated channel subunit alpha1 S; minus strand). Cytogenetic location: 1q32.1.
Variant type: single nucleotide variant.
Coding change: c.1297G>T on transcript NM_000069.3 (MANE Select); coding-DNA position 1297, G replaced by T.
Protein change: p.Val433Phe; replaces valine 433 with phenylalanine.
Molecular consequence: missense variant.
Genome position (GRCh38, 1-based): chr1:201,083,258, C>A on the plus strand (G>T on the coding strand, the complement: CACNA1S is on the minus strand). VCF-style: chr1-201083258-C-A. GRCh37 (hg19) VCF-style: chr1-201052386-C-A.
Other names: short protein forms V433F.
Identifiers: ClinVar variation 3768098 (VCV003768098.1).

ClinVar aggregate classification (germline): Uncertain significance (1 of 4 stars; one submission).

Submission:

Women's Health and Genetics/Laboratory Corporation of America, LabCorp
Classification: Uncertain significance. Last evaluated: 2024-12-12. Review status: criteria provided, single submitter. Criteria: LabCorp Variant Classification Summary - May 2015. Collection method: clinical testing. Allele origin: germline.
Comment: Variant summary: CACNA1S c.1297G>T (p.Val433Phe) results in a non-conservative amino acid change in the encoded protein sequence. Four of five in-silico tools predict a benign effect of the variant on protein function. The variant was absent in 251486 control chromosomes. The available data on variant occurrences in the general population are insufficient to allow any conclusion about variant significance. To our knowledge, no occurrence of c.1297G>T in individuals affected with Hypokalemic periodic paralysis, type 1 and no experimental evidence demonstrating its impact on protein function have been reported. No submitters have cited clinical-significance assessments for this variant to ClinVar. Based on the evidence outlined above, the variant was classified as uncertain significance.